The following is an entry in ClinVar:

NC_000005.10:g.112707377G>C

Gene: APC (APC regulator of Wnt signaling pathway; plus strand). Cytogenetic location: 5q22.2.
Variant type: single nucleotide variant.
Genome position: GRCh38 VCF-style: chr5-112707377-G-C. GRCh37 (hg19) VCF-style: chr5-112043074-G-C.
Identifiers: ClinVar variation 2994197 (VCV002994197.3), dbSNP rs1005173527, ClinGen allele CA2740094007.

ClinVar aggregate classification (germline): Uncertain significance (1 of 4 stars; one submission).

Conditions:
Familial adenomatous polyposis 1 (FAP1). Also called: FAMILIAL ADENOMATOUS POLYPOSIS 1, ATTENUATED; POLYPOSIS, ADENOMATOUS INTESTINAL. Identifiers: MedGen C2713442, MONDO:0021056, OMIM 175100. Disease mechanism: loss of function.

Submission:

Labcorp Genetics (formerly Invitae), Labcorp
Classification: Uncertain significance for Familial adenomatous polyposis 1. Last evaluated: 2023-03-07. Review status: criteria provided, single submitter. Criteria: Invitae Variant Classification Sherloc (09022015). Collection method: clinical testing. Allele origin: germline.
Comment: This variant occurs in a non-coding region of the APC gene. It does not change the encoded amino acid sequence of the APC protein. This variant is not present in population databases (gnomAD no frequency). This variant has not been reported in the literature in individuals affected with APC-related conditions. Experimental studies and prediction algorithms are not available or were not evaluated, and the functional significance of this variant is currently unknown. In summary, the available evidence is currently insufficient to determine the role of this variant in disease. Therefore, it has been classified as a Variant of Uncertain Significance.